The following is an entry in ClinVar:

ClinVar aggregate classification (germline): Uncertain significance. Review status: criteria provided, multiple submitters, no conflicts (2 of 4 stars). 2 submissions from 2 submitters: Uncertain significance (2). Last evaluated 2024-01-27.

Conditions:
Bethlem myopathy 1B (BTHLM1B). Identifiers: MedGen C5935580, MONDO:0958233, OMIM 620725.
Myosclerosis. Also called: MYOPATHY, MYOSCLEROTIC; MYOSCLEROSIS, CONGENITAL, OF LOWENTHAL; Myosclerosis, congenital. Identifiers: Orphanet 289380, MedGen C1850671, MONDO:0009714, OMIM 255600.
Ullrich congenital muscular dystrophy 1B (UCMD1B). Identifiers: MedGen C5935582, MONDO:0958235, OMIM 620727.
Bethlem myopathy 1A. Also called: Bethlem myopathy 1; MYOPATHY, BENIGN CONGENITAL, WITH CONTRACTURES; Bethlem Muscular Dystrophy. Identifiers: Orphanet 610, MedGen CN029274, MONDO:0024530, OMIM 158810.

gnomAD v4.1: 1 of 1,606,096 alleles (0.000062%); highest among the groups gnomAD compares: African/African-American, 0.0013%; no homozygotes.

Submissions (2):

Fulgent Genetics
Classification: Uncertain significance for Myosclerosis; Bethlem myopathy 1B; Ullrich congenital muscular dystrophy 1B. Last evaluated: 2024-01-27. Review status: criteria provided, single submitter. Criteria: ACMG Guidelines, 2015. Collection method: clinical testing. Allele origin: germline.

Labcorp Genetics (formerly Invitae), Labcorp
Classification: Uncertain significance for Bethlem myopathy 1A. Last evaluated: 2022-09-27. Review status: criteria provided, single submitter. Criteria: Invitae Variant Classification Sherloc (09022015). Collection method: clinical testing. Allele origin: germline.
Comment: This sequence change replaces phenylalanine, which is neutral and non-polar, with serine, which is neutral and polar, at codon 1010 of the COL6A2 protein (p.Phe1010Ser). This variant is not present in population databases (gnomAD no frequency). This variant has not been reported in the literature in individuals affected with COL6A2-related conditions. Advanced modeling of protein sequence and biophysical properties (such as structural, functional, and spatial information, amino acid conservation, physicochemical variation, residue mobility, and thermodynamic stability) performed at Invitae indicates that this missense variant is not expected to disrupt COL6A2 protein function. In summary, the available evidence is currently insufficient to determine the role of this variant in disease. Therefore, it has been classified as a Variant of Uncertain Significance.

NM_001849.4(COL6A2):c.3029T>C (p.Phe1010Ser)

Gene: COL6A2 (collagen type VI alpha 2 chain; plus strand). Cytogenetic location: 21q22.3.
Variant type: single nucleotide variant.
Coding change: c.3029T>C on transcript NM_001849.4 (MANE Select); coding-DNA position 3029, T replaced by C.
Protein change: p.Phe1010Ser; replaces phenylalanine 1010 with serine.
Molecular consequence: missense variant.
Genome position (GRCh38, 1-based): chr21:46,132,521, T>C. VCF-style: chr21-46132521-T-C. GRCh37 (hg19) VCF-style: chr21-47552435-T-C.
Other names: short protein forms F1010S.
Identifiers: ClinVar variation 1899537 (VCV001899537.6), dbSNP rs1051148162, ClinGen allele CA410550727.
Genomic context (GRCh38, chr21:46,132,521, plus strand): 5'-TGGGTGACCGCGCCGCCGTGTTCCACGAGAAGGACTATGACAGCCTGGCGCAACCCGGCT[T>C]CTTCGACCGCTTCATCCGCTGGATCTGCTAGCGCCGCCGCCCGGGCCCCGCAGTCGAGGG-3'
Protein context (NP_001840.3, residues 1000-1019): KDYDSLAQPG[Phe1010Ser]FDRFIRWIC